The following is an entry in ClinVar:

ClinVar aggregate classification (germline): Likely pathogenic (1 of 4 stars; one submission).

Submission:

Labcorp Genetics (formerly Invitae), Labcorp
Classification: Likely pathogenic. Last evaluated: 2023-09-01. Review status: criteria provided, single submitter. Criteria: Invitae Variant Classification Sherloc (09022015). Collection method: clinical testing. Allele origin: germline.
Comment: This variant has not been reported in the literature in individuals affected with OTOA-related conditions. Algorithms developed to predict the effect of sequence changes on RNA splicing suggest that this variant may disrupt the consensus splice site. In summary, the currently available evidence indicates that the variant is pathogenic, but additional data are needed to prove that conclusively. Therefore, this variant has been classified as Likely Pathogenic. This variant is not present in population databases (gnomAD no frequency). This sequence change affects a donor splice site in intron 1 of the OTOA gene. It is expected to disrupt RNA splicing. Variants that disrupt the donor or acceptor splice site typically lead to a loss of protein function (PMID: 16199547), and loss-of-function variants in OTOA are known to be pathogenic (PMID: 11972037).

Literature cited by the submitters: PubMed 16199547; PubMed 11972037.

NM_144672.4(OTOA):c.91+1G>A

Gene: OTOA (otoancorin). Cytogenetic location: 16p12.2.
Variant type: single nucleotide variant.
Coding change: c.91+1G>A on transcript NM_144672.4 (MANE Select); the canonical splice donor site of the intron after coding-DNA position 91, G replaced by A.
Molecular consequence: splice donor variant.
Genome position (GRCh38, 1-based): chr16:21,678,606, G>A. VCF-style: chr16-21678606-G-A. GRCh37 (hg19) VCF-style: chr16-21689927-G-A.
Identifiers: ClinVar variation 2786728 (VCV002786728.3), dbSNP rs1180279498, ClinGen allele CA395050762.